The following is an entry in ClinVar:

ClinVar aggregate classification (germline): Uncertain significance (1 of 4 stars; one submission).

Conditions:
Hereditary spastic paraplegia 28. Also called: Spastic paraplegia 28, autosomal recessive. Identifiers: Orphanet 101008, MedGen C1836295, MONDO:0012256, OMIM 609340.

Allele frequency attached by ClinVar (database versions not stated): gnomAD 0.00003; TOPMed 0.00003; ExAC 0.00004.
gnomAD v4.1: 34 of 1,609,200 alleles (0.0021%); highest among the groups gnomAD compares: East Asian, 0.011%; 1 homozygote.

Submission:

Labcorp Genetics (formerly Invitae), Labcorp
Classification: Uncertain significance for Hereditary spastic paraplegia 28. Last evaluated: 2024-10-16. Review status: criteria provided, single submitter. Criteria: Invitae Variant Classification Sherloc (09022015). Collection method: clinical testing. Allele origin: germline.
Comment: This sequence change replaces arginine, which is basic and polar, with tryptophan, which is neutral and slightly polar, at codon 596 of the DDHD1 protein (p.Arg596Trp). This variant is present in population databases (rs780032756, gnomAD 0.01%). This variant has not been reported in the literature in individuals affected with DDHD1-related conditions. ClinVar contains an entry for this variant (Variation ID: 2418794). An algorithm developed to predict the effect of missense changes on protein structure and function (PolyPhen-2) suggests that this variant is likely to be disruptive. In summary, the available evidence is currently insufficient to determine the role of this variant in disease. Therefore, it has been classified as a Variant of Uncertain Significance.

NM_001160148.2(DDHD1):c.1765C>T (p.Arg589Trp)

Gene: DDHD1 (DDHD domain containing 1; minus strand). Cytogenetic location: 14q22.1.
Variant type: single nucleotide variant.
Coding change: c.1765C>T on transcript NM_001160148.2 (MANE Select); coding-DNA position 1765, C replaced by T.
Protein change: p.Arg589Trp; replaces arginine 589 with tryptophan.
Molecular consequence: missense variant.
Genome position (GRCh38, 1-based): chr14:53,062,944, G>A on the plus strand (C>T on the coding strand, the complement: DDHD1 is on the minus strand). VCF-style: chr14-53062944-G-A. GRCh37 (hg19) VCF-style: chr14-53529662-G-A.
Other names: c.1786C>T, p.Arg596Trp (NM_001160147.2); c.1765C>T, p.Arg589Trp (NM_030637.3); short protein forms R589W, R596W.
Identifiers: ClinVar variation 2418794 (VCV002418794.5), dbSNP rs780032756, ClinGen allele CA7191161.
Genomic context (GRCh38, chr14:53,062,944, plus strand): 5'-GAGGTCCAGTAATTCCATAAAGACATTTAAAAATTTTTCAAAAGATGAGGATATTTTACC[G>A]TCGTTTAGTTATATAGAGTTCATCAAGAAGATGTCGTTCTTCATAGCTCATCCATCGTTC-3'
Protein context (NP_001153620.1, residues 579-599): LLDELYITKR[Arg589Trp]LKEIEERLHG